The following is an entry in ClinVar:

ClinVar aggregate classification (germline): Pathogenic (1 of 4 stars; one submission).

Submission:

GeneDx
Classification: Pathogenic. Last evaluated: 2015-03-18. Review status: criteria provided, single submitter. Criteria: GeneDx Variant Classification (06012015). Collection method: clinical testing. Allele origin: germline. Affected: yes.
Comment: The Q684X nonsense variant in the CNTNAP2 gene is predicted to cause loss of normal protein functioneither through protein truncation or nonsense-mediated mRNA decay. The Q684X variant was not observedin approximately 6,500 individuals of European and African American ancestry in the NHLBI ExomeSequencing Project, indicating it is not a common benign variant in these populations. Although this varianthas not been reported previously to our knowledge, it is considered to be pathogenic.

NM_014141.6(CNTNAP2):c.2050C>T (p.Gln684Ter)

Gene: CNTNAP2 (contactin associated protein 2; plus strand). Cytogenetic location: 7q35.
Variant type: single nucleotide variant.
Coding change: c.2050C>T on transcript NM_014141.6 (MANE Select); coding-DNA position 2050, C replaced by T.
Protein change: p.Gln684Ter; replaces glutamine 684 with a stop codon.
Molecular consequence: nonsense.
Genome position (GRCh38, 1-based): chr7:147,639,258, C>T. VCF-style: chr7-147639258-C-T. GRCh37 (hg19) VCF-style: chr7-147336350-C-T.
Other names: short protein forms Q684*.
Identifiers: ClinVar variation 379268 (VCV000379268.2), dbSNP rs1057520549, ClinGen allele CA16605256.
Genomic context (GRCh38, chr7:147,639,258, plus strand): 5'-GTTTACAGCGCCTCCATGGACCAGATAAGTGCCATCACTGACAGTGCCGAGTACTGCGAG[C>T]AGTATGTCTCCTATTTCTGCAAGATGTCAAGATTGTTGAACACCCCAGGTAGGCTGAGAA-3'